The following is an entry in ClinVar:

NM_005751.5(AKAP9):c.795A>C (p.Gln265His)

Genes: AKAP9 (A-kinase anchoring protein 9; plus strand), LOC129998789 (ATAC-STARR-seq lymphoblastoid silent region 18366; plus strand). Cytogenetic location: 7q21.2.
Variant type: single nucleotide variant.
Coding change: c.795A>C on transcript NM_005751.5 (MANE Select); coding-DNA position 795, A replaced by C.
Protein change: p.Gln265His; replaces glutamine 265 with histidine.
Molecular consequence: missense variant.
Genome position (GRCh38, 1-based): chr7:91,995,665, A>C. VCF-style: chr7-91995665-A-C. GRCh37 (hg19) VCF-style: chr7-91624979-A-C.
Other names: c.795A>C, p.Gln265His (NM_147185.3); short protein forms Q265H.
Identifiers: ClinVar variation 2449785 (VCV002449785.2), dbSNP rs2484676328, ClinGen allele CA368120232.

ClinVar aggregate classification (germline): Uncertain significance (1 of 4 stars; one submission).

Conditions:
Cardiovascular phenotype. Identifiers: MedGen CN230736.

Submission:

Ambry Genetics
Classification: Uncertain significance for Cardiovascular phenotype. Last evaluated: 2023-02-16. Review status: criteria provided, single submitter. Criteria: Ambry Variant Classification Scheme 2023. Collection method: clinical testing. Allele origin: germline.
Comment: The p.Q265H variant (also known as c.795A>C), located in coding exon 7 of the AKAP9 gene, results from an A to C substitution at nucleotide position 795. The glutamine at codon 265 is replaced by histidine, an amino acid with highly similar properties. This amino acid position is conserved. In addition, the in silico prediction for this alteration is inconclusive. The evidence for this gene-disease relationship is limited; therefore, the clinical significance of this alteration is unclear.